The following is an entry in ClinVar:

NM_000038.6(APC):c.3426_3427dup (p.Tyr1143fs)

Gene: APC (APC regulator of Wnt signaling pathway; plus strand). Cytogenetic location: 5q22.2.
Variant type: Duplication.
Coding change: c.3426_3427dup on transcript NM_000038.6 (MANE Select); coding-DNA positions 3426 to 3427, 2 bases duplicated (TT; older notation c.3426_3427dupTT).
Protein change: p.Tyr1143fs; shifts the reading frame from tyrosine 1143.
Molecular consequence: frameshift variant. On other transcripts: non-coding transcript variant (2).
Genome position (GRCh38, 1-based): chr5:112,839,020-112,839,021, TT duplicated. VCF-style (leftmost placement, unchanged base first): chr5-112839019-A-ATT. GRCh37 (hg19) VCF-style: chr5-112174716-A-ATT.
Other names: c.3426_3427dup, p.Tyr1143fs (NM_001127510.3, NM_001354895.2, NM_001407450.1); c.3372_3373dup, p.Tyr1125fs (NM_001127511.3); c.3480_3481dup, p.Tyr1161fs (NM_001354896.2, NM_001407447.1, NM_001407448.1 and 1 more transcripts); c.3456_3457dup, p.Tyr1153fs (NM_001354897.2); c.3351_3352dup, p.Tyr1118fs (NM_001354898.2); c.3342_3343dup, p.Tyr1115fs (NM_001354899.2); c.3303_3304dup, p.Tyr1102fs (NM_001354900.2); c.3249_3250dup, p.Tyr1084fs (NM_001354901.2, NM_001407453.1); and 11 more; short protein forms Y1014fs, Y1017fs, Y1042fs, Y1052fs, Y1060fs, Y1084fs, Y1102fs, Y1115fs.
Identifiers: ClinVar variation 2584021 (VCV002584021.2), dbSNP rs2533497107, ClinGen allele CA445963859.

ClinVar aggregate classification (germline): Pathogenic. Review status: criteria provided, multiple submitters, no conflicts (2 of 4 stars). 2 submissions from 2 submitters: Pathogenic (2). Last evaluated 2025-06-19.

Conditions:
Familial adenomatous polyposis 1 (FAP1). Also called: FAMILIAL ADENOMATOUS POLYPOSIS 1, ATTENUATED; POLYPOSIS, ADENOMATOUS INTESTINAL. Identifiers: MedGen C2713442, MONDO:0021056, OMIM 175100. Disease mechanism: loss of function.

Submissions (2):

Labcorp Genetics (formerly Invitae), Labcorp
Classification: Pathogenic for Familial adenomatous polyposis 1. Last evaluated: 2025-06-19. Review status: criteria provided, single submitter. Criteria: Invitae Variant Classification Sherloc (09022015). Collection method: clinical testing. Allele origin: germline.
Comment: This sequence change creates a premature translational stop signal (p.Tyr1143Phefs*23) in the APC gene. While this is not anticipated to result in nonsense mediated decay, it is expected to disrupt the last 1701 amino acid(s) of the APC protein. This variant is not present in population databases (gnomAD no frequency). This variant has not been reported in the literature in individuals affected with APC-related conditions. ClinVar contains an entry for this variant (Variation ID: 2584021). This variant disrupts a region of the APC protein in which other variant(s) (p.Tyr2645Lysfs*14) have been determined to be pathogenic (PMID: 1316610, 8381579, 9824584, 27081525). This suggests that this is a clinically significant region of the protein, and that variants that disrupt it are likely to be disease-causing. For these reasons, this variant has been classified as Pathogenic.

Myriad Genetics, Inc.
Classification: Pathogenic for Familial adenomatous polyposis 1. Last evaluated: 2023-05-08. Review status: criteria provided, single submitter. Criteria: Myriad Autosomal Dominant, Autosomal Recessive and X-Linked Classification Criteria (2023). Collection method: clinical testing. Allele origin: unknown.
Comment: This variant is considered pathogenic. This variant creates a frameshift predicted to result in premature protein truncation.

Literature cited by the submitters: PubMed 1316610 (cited by Labcorp Genetics (formerly Invitae), Labcorp); PubMed 8381579 (cited by Labcorp Genetics (formerly Invitae), Labcorp); PubMed 9824584 (cited by Labcorp Genetics (formerly Invitae), Labcorp); PubMed 27081525 (cited by Labcorp Genetics (formerly Invitae), Labcorp).